The following is an entry in ClinVar:

NM_015466.4(PTPN23):c.2647A>G (p.Thr883Ala)

Gene: PTPN23 (protein tyrosine phosphatase non-receptor type 23; plus strand). Cytogenetic location: 3p21.31.
Variant type: single nucleotide variant.
Coding change: c.2647A>G on transcript NM_015466.4 (MANE Select); coding-DNA position 2647, A replaced by G.
Protein change: p.Thr883Ala; replaces threonine 883 with alanine.
Molecular consequence: missense variant.
Genome position (GRCh38, 1-based): chr3:47,410,445, A>G. VCF-style: chr3-47410445-A-G. GRCh37 (hg19) VCF-style: chr3-47451935-A-G.
Other names: c.2269A>G, p.Thr757Ala (NM_001304482.2); short protein forms T757A, T883A.
Identifiers: ClinVar variation 3255184 (VCV003255184.1), dbSNP rs2546250604.

ClinVar aggregate classification (germline): Uncertain significance (1 of 4 stars; one submission).

Conditions:
Neurodevelopmental disorder and structural brain anomalies with or without seizures and spasticity. Identifiers: MedGen C5394423, MONDO:0030046, OMIM 618890.

Submission:

Victorian Clinical Genetics Services, Murdoch Childrens Research Institute
Classification: Uncertain significance for Neurodevelopmental disorder and structural brain anomalies with or without seizures and spasticity. Last evaluated: 2023-07-17. Review status: criteria provided, single submitter. Criteria: ACMG Guidelines, 2015. Collection method: clinical testing. Allele origin: germline. Inheritance: Autosomal recessive inheritance. Affected: yes.
Comment: Based on the classification scheme VCGS_Germline_v1.3.4, this variant is classified as VUS-3B. Following criteria are met: 0102 - Loss of function is a known mechanism of disease in this gene and is associated with neurodevelopmental disorder and structural brain anomalies with or without seizures and spasticity (MIM#618890). (I) 0106 - This gene is associated with autosomal recessive disease. (I) 0200 - Variant is predicted to result in a missense amino acid change from threonine to alanine. (I) 0252 - This variant is homozygous. (I) 0301 - Variant is absent from gnomAD (both v2 and v3). (SP) 0309 - An alternative amino acid change at the same position has been observed in gnomAD (v2: 1 heterozygote, 0 homozygotes). (I) 0502 - Missense variant with conflicting in silico predictions and high conservation. (I) 0604 - Variant is not located in an established domain, motif, hotspot or informative constraint region. (I) 0705 - No comparable missense variants have previous evidence for pathogenicity. (I) 0807 - This variant has no previous evidence of pathogenicity. (I) 0905 - No published segregation evidence has been identified for this variant. (I) 1007 - No published functional evidence has been identified for this variant. (I) Legend: (SP) - Supporting pathogenic, (I) - Information, (SB) - Supporting benign